The following is an entry in ClinVar:

NM_000182.5(HADHA):c.809C>T (p.Ala270Val)

Gene: HADHA (hydroxyacyl-CoA dehydrogenase trifunctional multienzyme complex subunit alpha; minus strand). Cytogenetic location: 2p23.3.
Variant type: single nucleotide variant.
Coding change: c.809C>T on transcript NM_000182.5 (MANE Select); coding-DNA position 809, C replaced by T.
Protein change: p.Ala270Val; replaces alanine 270 with valine.
Molecular consequence: missense variant.
Genome position (GRCh38, 1-based): chr2:26,214,552, G>A on the plus strand (C>T on the coding strand, the complement: HADHA is on the minus strand). VCF-style: chr2-26214552-G-A. GRCh37 (hg19) VCF-style: chr2-26437421-G-A.
Other names: p.Ala270Val; short protein forms A270V.
Identifiers: ClinVar variation 468768 (VCV000468768.39), dbSNP rs141429393, ClinGen allele CA1559772.

ClinVar aggregate classification (germline): Conflicting classifications of pathogenicity. Review status: criteria provided, conflicting classifications (1 of 4 stars). 5 submissions from 5 submitters: Uncertain significance (1); Likely benign (4). Last evaluated 2026-09-18.

Conditions:
HADHA-related disorder. Also called: HADHA-related disorders; HADHA-related condition.
Long chain 3-hydroxyacyl-CoA dehydrogenase deficiency. Also called: LCHAD Deficiency; Deficiency of long-chain 3-hydroxyacyl-coenzyme A dehydrogenase. Identifiers: Orphanet 5, MedGen C3711645, MONDO:0012173, OMIM 609016.
Mitochondrial trifunctional protein deficiency. Identifiers: Orphanet 746, MedGen C1969443, MONDO:0012172.

Allele frequency attached by ClinVar (database versions not stated): gnomAD exomes 0.00012; ExAC 0.00015; ESP Exome Variant Server 0.00046; gnomAD 0.00058 and 0.00061; 1000 Genomes Project 0.00060; 1000 Genomes Project 30x 0.00062; TOPMed 0.00067.
gnomAD v4.1: 256 of 1,557,026 alleles (0.016%); highest among the groups gnomAD compares: African/African-American, 0.2%; no homozygotes.

Submissions (5):

PreventionGenetics, part of Exact Sciences
Classification: Likely benign for HADHA-related condition. Last evaluated: 2026-09-18. Review status: criteria provided, single submitter. Criteria: ACMG Guidelines, 2015. Collection method: clinical testing. Allele origin: germline.
Comment: This variant is classified as likely benign based on ACMG/AMP sequence variant interpretation guidelines (Richards et al. 2015 PMID: 25741868, with internal and published modifications).

GeneDx
Classification: Uncertain significance. Last evaluated: 2026-08-27. Review status: criteria provided, single submitter. Criteria: GeneDx Variant Classification Process June 2021. Collection method: clinical testing. Allele origin: germline.
Comment: In silico analysis indicates that this missense variant does not alter protein structure/function; Has not been previously published as pathogenic or benign to our knowledge

Labcorp Genetics (formerly Invitae), Labcorp
Classification: Likely benign for Mitochondrial trifunctional protein deficiency; Long chain 3-hydroxyacyl-CoA dehydrogenase deficiency. Last evaluated: 2026-01-09. Review status: criteria provided, single submitter. Criteria: Invitae Variant Classification Sherloc (09022015). Collection method: clinical testing. Allele origin: germline.

Mayo Clinic Laboratories, Mayo Clinic
Classification: Likely benign. Last evaluated: 2025-07-29. Review status: criteria provided, single submitter. Criteria: ACMG Guidelines, 2015. Collection method: clinical testing. Allele origin: germline. Observed: 2 variant alleles.
Comment: BS1, BP4_moderate

CeGaT Center for Human Genetics Tuebingen
Classification: Likely benign. Last evaluated: 2022-07-01. Review status: criteria provided, single submitter. Criteria: CeGaT Center For Human Genetics Tuebingen Variant Classification Criteria Version 2. Collection method: clinical testing. Allele origin: germline. Affected: yes. Observed: 1 variant allele.
Comment: HADHA: BP4